The following is an entry in ClinVar:

ClinVar aggregate classification (germline): Uncertain significance. Review status: criteria provided, multiple submitters, no conflicts (2 of 4 stars). 2 submissions from 2 submitters: Uncertain significance (2). Last evaluated 2023-11-14.

Conditions:
Neuroblastoma, susceptibility to, 3. Also called: ALK-Related Neuroblastic Tumor Susceptibility. Identifiers: Orphanet 635, MedGen C2751681, MONDO:0013083, OMIM 613014.
Hereditary cancer-predisposing syndrome. Also called: Neoplastic Syndromes, Hereditary; Tumor predisposition; Hereditary Cancer Syndrome; Hereditary neoplastic syndrome. Identifiers: Orphanet 140162, MedGen C0027672, MeSH D009386, MONDO:0015356.

Allele frequency attached by ClinVar (database versions not stated): gnomAD exomes 0.00001.
gnomAD v4.1: 5 of 1,611,884 alleles (0.00031%); highest among the groups gnomAD compares: Non-Finnish European, 0.00042%; no homozygotes.

Submissions (2):

Labcorp Genetics (formerly Invitae), Labcorp
Classification: Uncertain significance for Neuroblastoma, susceptibility to, 3. Last evaluated: 2023-11-14. Review status: criteria provided, single submitter. Criteria: Invitae Variant Classification Sherloc (09022015). Collection method: clinical testing. Allele origin: germline.
Comment: This sequence change replaces threonine, which is neutral and polar, with serine, which is neutral and polar, at codon 1387 of the ALK protein (p.Thr1387Ser). This variant is not present in population databases (gnomAD no frequency). This variant has not been reported in the literature in individuals affected with ALK-related conditions. ClinVar contains an entry for this variant (Variation ID: 1738342). An algorithm developed to predict the effect of missense changes on protein structure and function (PolyPhen-2) suggests that this variant is likely to be disruptive. In summary, the available evidence is currently insufficient to determine the role of this variant in disease. Therefore, it has been classified as a Variant of Uncertain Significance.

Ambry Genetics
Classification: Uncertain significance for Hereditary cancer-predisposing syndrome. Last evaluated: 2022-05-26. Review status: criteria provided, single submitter. Criteria: Ambry Variant Classification Scheme 2023. Collection method: clinical testing. Allele origin: germline.
Comment: The p.T1387S variant (also known as c.4160C>G), located in coding exon 28 of the ALK gene, results from a C to G substitution at nucleotide position 4160. The threonine at codon 1387 is replaced by serine, an amino acid with similar properties. This amino acid position is conserved. In addition, the in silico prediction for this alteration is inconclusive. Since supporting evidence is limited at this time, the clinical significance of this alteration remains unclear.

NM_004304.5(ALK):c.4160C>G (p.Thr1387Ser)

Gene: ALK (ALK receptor tyrosine kinase; minus strand). Cytogenetic location: 2p23.2.
Variant type: single nucleotide variant.
Coding change: c.4160C>G on transcript NM_004304.5 (MANE Select); coding-DNA position 4160, C replaced by G.
Protein change: p.Thr1387Ser; replaces threonine 1387 with serine.
Molecular consequence: missense variant.
Genome position (GRCh38, 1-based): chr2:29,196,774, G>C on the plus strand (C>G on the coding strand, the complement: ALK is on the minus strand). VCF-style: chr2-29196774-G-C. GRCh37 (hg19) VCF-style: chr2-29419640-G-C.
Other names: c.956C>G, p.Thr319Ser (NM_001353765.2); short protein forms T1387S, T319S.
Identifiers: ClinVar variation 1738342 (VCV001738342.5), dbSNP rs2148141700, ClinGen allele CA346464792.